The following is an entry in ClinVar:

NM_001267550.2(TTN):c.22814A>G (p.Lys7605Arg)

Gene: TTN (titin; minus strand). Cytogenetic location: 2q31.2.
Variant type: single nucleotide variant.
Coding change: c.22814A>G on transcript NM_001267550.2 (MANE Select); coding-DNA position 22814, A replaced by G.
Protein change: p.Lys7605Arg; replaces lysine 7605 with arginine.
Molecular consequence: missense variant. On other transcripts: intron variant (3).
Genome position (GRCh38, 1-based): chr2:178,721,849, T>C on the plus strand (A>G on the coding strand, the complement: TTN is on the minus strand). VCF-style: chr2-178721849-T-C. GRCh37 (hg19) VCF-style: chr2-179586576-T-C.
Other names: c.21863A>G, p.Lys7288Arg (NM_001256850.1); c.19082A>G, p.Lys6361Arg (NM_133378.4); c.13282+16233A>G (NM_003319.4); c.13858+16233A>G (NM_133437.4); c.13657+16233A>G (NM_133432.3); short protein forms K6361R, K7288R, K7605R.
Identifiers: ClinVar variation 3371882 (VCV003371882.1).

ClinVar aggregate classification (germline): Uncertain significance (1 of 4 stars; one submission).

Submission:

GeneDx
Classification: Uncertain significance. Last evaluated: 2024-04-02. Review status: criteria provided, single submitter. Criteria: GeneDx Variant Classification Process June 2021. Collection method: clinical testing. Allele origin: germline. Affected: yes.
Comment: Has not been previously published as pathogenic or benign to our knowledge; Not observed at significant frequency in large population cohorts (gnomAD); Missense variant in a gene in which most reported pathogenic variants are truncating/loss of function; In silico analysis suggests this variant may impact gene splicing. In the absence of RNA/functional studies, the actual effect of this sequence change is unknown.